The following is an entry in ClinVar:

NM_001572.5(IRF7):c.463C>T (p.Pro155Ser)

Gene: IRF7 (interferon regulatory factor 7; minus strand). Cytogenetic location: 11p15.5.
Variant type: single nucleotide variant.
Coding change: c.463C>T on transcript NM_001572.5 (MANE Select); coding-DNA position 463, C replaced by T.
Protein change: p.Pro155Ser; replaces proline 155 with serine.
Molecular consequence: missense variant.
Genome position (GRCh38, 1-based): chr11:614,390, G>A on the plus strand (C>T on the coding strand, the complement: IRF7 is on the minus strand). VCF-style: chr11-614390-G-A. GRCh37 (hg19) VCF-style: chr11-614390-G-A.
Other names: c.463C>T, p.Pro155Ser (NM_004029.4); c.502C>T, p.Pro168Ser (NM_004031.4); short protein forms P168S, P155S.
Identifiers: ClinVar variation 2068661 (VCV002068661.4), dbSNP rs1341819759, ClinGen allele CA378982408.
Genomic context (GRCh38, chr11:614,390, plus strand): 5'-GGGCAGGGAGGGGGCCTGGGGCTTGGAGTCCAGCATGTGTGTGTGCCAGGAATGGCCCTG[G>A]GGGCCCACCCTGCAGGGAAAAGTCAGGGTGAACGTAAGCAGCTCCGCGGCCTGGCAGGAG-3'
Protein context (NP_001563.2, residues 145-165): AAVPPPQGGP[Pro155Ser]GPFLAHTHAG

ClinVar aggregate classification (germline): Uncertain significance (1 of 4 stars; one submission).

Conditions:
Immunodeficiency 39 (IMD39). Identifiers: Orphanet 574918, MedGen C4225358, MONDO:0014597, OMIM 616345.

Allele frequency attached by ClinVar (database versions not stated): gnomAD exomes below 0.00001; gnomAD 0.00001.
gnomAD v4.1: 7 of 1,604,546 alleles (0.00044%); highest among the groups gnomAD compares: Non-Finnish European, 0.0006%; no homozygotes.

Submission:

Labcorp Genetics (formerly Invitae), Labcorp
Classification: Uncertain significance for Immunodeficiency 39. Last evaluated: 2024-11-15. Review status: criteria provided, single submitter. Criteria: Invitae Variant Classification Sherloc (09022015). Collection method: clinical testing. Allele origin: germline.
Comment: This sequence change replaces proline, which is neutral and non-polar, with serine, which is neutral and polar, at codon 168 of the IRF7 protein (p.Pro168Ser). This variant is present in population databases (no rsID available, gnomAD no frequency). This variant has not been reported in the literature in individuals affected with IRF7-related conditions. ClinVar contains an entry for this variant (Variation ID: 2068661). Invitae Evidence Modeling of protein sequence and biophysical properties (such as structural, functional, and spatial information, amino acid conservation, physicochemical variation, residue mobility, and thermodynamic stability) indicates that this missense variant is not expected to disrupt IRF7 protein function with a negative predictive value of 80%. In summary, the available evidence is currently insufficient to determine the role of this variant in disease. Therefore, it has been classified as a Variant of Uncertain Significance.